The following is an entry in ClinVar:

ClinVar aggregate classification (germline): Pathogenic (1 of 4 stars; one submission).

Submission:

Labcorp Genetics (formerly Invitae), Labcorp
Classification: Pathogenic. Last evaluated: 2022-10-11. Review status: criteria provided, single submitter. Criteria: Invitae Variant Classification Sherloc (09022015). Collection method: clinical testing. Allele origin: germline.
Comment: For these reasons, this variant has been classified as Pathogenic. Algorithms developed to predict the effect of sequence changes on RNA splicing suggest that this variant may disrupt the consensus splice site. Disruption of this splice site has been observed in individual(s) with autosomal dominant Stickler syndrome (PMID: 32427345). In at least one individual the variant was observed to be de novo. This variant is not present in population databases (gnomAD no frequency). This sequence change affects an acceptor splice site in intron 36 of the COL11A1 gene. It is expected to disrupt RNA splicing. Variants that disrupt the donor or acceptor splice site typically lead to a loss of protein function (PMID: 16199547), and loss-of-function variants in COL11A1 are known to be pathogenic (PMID: 20513134, 21035103, 23922384, 25240749, 32427345, 32756486).

Literature cited by the submitters: PubMed 32427345; PubMed 16199547; PubMed 20513134; PubMed 21035103; PubMed 23922384; PubMed 25240749; PubMed 32756486.

NM_001854.4(COL11A1):c.2809-1G>A

Gene: COL11A1 (collagen type XI alpha 1 chain; minus strand). Cytogenetic location: 1p21.1.
Variant type: single nucleotide variant.
Coding change: c.2809-1G>A on transcript NM_001854.4 (MANE Select); the canonical splice acceptor site of the intron before coding-DNA position 2809, G replaced by A.
Molecular consequence: splice acceptor variant.
Genome position (GRCh38, 1-based): chr1:102,970,273, C>T on the plus strand (G>A on the coding strand, the complement: COL11A1 is on the minus strand). VCF-style: chr1-102970273-C-T. GRCh37 (hg19) VCF-style: chr1-103435829-C-T.
Other names: c.2692-1G>A (NM_001190709.2); c.2845-1G>A (NM_080629.3); c.2461-1G>A (NM_080630.4).
Identifiers: ClinVar variation 2033864 (VCV002033864.4), dbSNP rs2525016020, ClinGen allele CA341160816.